The following is an entry in ClinVar:

ClinVar aggregate classification (germline): Uncertain significance (1 of 4 stars; one submission).

Allele frequency attached by ClinVar (database versions not stated): gnomAD exomes below 0.00001; gnomAD 0.00001.
gnomAD v4.1: 3 of 1,553,204 alleles (0.00019%); highest among the groups gnomAD compares: Non-Finnish European, 0.00026%; no homozygotes.

Submission:

Labcorp Genetics (formerly Invitae), Labcorp
Classification: Uncertain significance. Last evaluated: 2022-06-20. Review status: criteria provided, single submitter. Criteria: Invitae Variant Classification Sherloc (09022015). Collection method: clinical testing. Allele origin: germline.
Comment: This sequence change replaces tryptophan, which is neutral and slightly polar, with arginine, which is basic and polar, at codon 456 of the SAMD11 protein (p.Trp456Arg). This variant is not present in population databases (gnomAD no frequency). In summary, the available evidence is currently insufficient to determine the role of this variant in disease. Therefore, it has been classified as a Variant of Uncertain Significance. Algorithms developed to predict the effect of missense changes on protein structure and function output the following: SIFT: "Tolerated"; PolyPhen-2: "Benign"; Align-GVGD: "Class C0". The arginine amino acid residue is found in multiple mammalian species, which suggests that this missense change does not adversely affect protein function. This variant has not been reported in the literature in individuals affected with SAMD11-related conditions.

NM_001385641.1(SAMD11):c.1855T>C (p.Trp619Arg)

Gene: SAMD11 (sterile alpha motif domain containing 11; plus strand). Cytogenetic location: 1p36.33.
Variant type: single nucleotide variant.
Coding change: c.1855T>C on transcript NM_001385641.1 (MANE Select); coding-DNA position 1855, T replaced by C.
Protein change: p.Trp619Arg; replaces tryptophan 619 with arginine.
Molecular consequence: missense variant.
Genome position (GRCh38, 1-based): chr1:942,860, T>C. VCF-style: chr1-942860-T-C. GRCh37 (hg19) VCF-style: chr1-878240-T-C.
Other names: c.1858T>C, p.Trp620Arg (NM_001385640.1); c.1366T>C, p.Trp456Arg (NM_152486.4); short protein forms W456R, W620R, W619R.
Identifiers: ClinVar variation 1507134 (VCV001507134.8), dbSNP rs1226380542, ClinGen allele CA337811687.